The following is an entry in ClinVar:

ClinVar aggregate classification (germline): Uncertain significance (1 of 4 stars; one submission).

Submission:

GeneDx
Classification: Uncertain significance. Last evaluated: 2025-04-21. Review status: criteria provided, single submitter. Criteria: GeneDx Variant Classification Process June 2021. Collection method: clinical testing. Allele origin: germline. Affected: yes.
Comment: Not observed at significant frequency in large population cohorts (gnomAD); In silico analysis indicates that this missense variant does not alter protein structure/function; Has not been previously published as pathogenic or benign to our knowledge

NM_015557.3(CHD5):c.3626T>C (p.Met1209Thr)

Gene: CHD5 (chromodomain helicase DNA binding protein 5; minus strand). Cytogenetic location: 1p36.31.
Variant type: single nucleotide variant.
Coding change: c.3626T>C on transcript NM_015557.3 (MANE Select); coding-DNA position 3626, T replaced by C.
Protein change: p.Met1209Thr; replaces methionine 1209 with threonine.
Molecular consequence: missense variant.
Genome position (GRCh38, 1-based): chr1:6,128,603, A>G on the plus strand (T>C on the coding strand, the complement: CHD5 is on the minus strand). VCF-style: chr1-6128603-A-G. GRCh37 (hg19) VCF-style: chr1-6188663-A-G.
Other names: short protein forms M1209T.
Identifiers: ClinVar variation 4527124 (VCV004527124.1).